The following is an entry in ClinVar:

ClinVar aggregate classification (germline): Likely benign (1 of 4 stars; one submission).

gnomAD v4.1: 109 of 1,210,284 alleles (0.009%); highest among the groups gnomAD compares: East Asian, 0.29%; no homozygotes.

Submission:

CeGaT Center for Human Genetics Tuebingen
Classification: Likely benign. Last evaluated: 2023-02-01. Review status: criteria provided, single submitter. Criteria: CeGaT Center For Human Genetics Tuebingen Variant Classification Criteria Version 2. Collection method: clinical testing. Allele origin: germline. Affected: yes. Observed: 1 variant allele.
Comment: FAM9B: BP4, BP7, BS2

NM_205849.3(FAM9B):c.6G>T (p.Ala2=)

Gene: FAM9B (family with sequence similarity 9 member B; minus strand). Cytogenetic location: Xp22.31.
Variant type: single nucleotide variant.
Coding change: c.6G>T on transcript NM_205849.3 (MANE Select); coding-DNA position 6, G replaced by T.
Protein change: p.Ala2=; no amino-acid change (alanine 2 retained).
Molecular consequence: synonymous variant.
Genome position (GRCh38, 1-based): chrX:9,032,981, C>A on the plus strand (G>T on the coding strand, the complement: FAM9B is on the minus strand). VCF-style: chrX-9032981-C-A. GRCh37 (hg19) VCF-style: chrX-9001022-C-A.
Identifiers: ClinVar variation 2659950 (VCV002659950.24), dbSNP rs759581024, ClinGen allele CA10344357.